The following is an entry in ClinVar:

ClinVar aggregate classification (germline): Uncertain significance. Review status: criteria provided, multiple submitters, no conflicts (2 of 4 stars). 2 submissions from 2 submitters: Uncertain significance (2). Last evaluated 2024-05-16.

Conditions:
Familial adenomatous polyposis 1 (FAP1). Also called: FAMILIAL ADENOMATOUS POLYPOSIS 1, ATTENUATED; POLYPOSIS, ADENOMATOUS INTESTINAL. Identifiers: MedGen C2713442, MONDO:0021056, OMIM 175100. Disease mechanism: loss of function.
Hereditary cancer-predisposing syndrome. Also called: Neoplastic Syndromes, Hereditary; Tumor predisposition; Hereditary Cancer Syndrome; Hereditary neoplastic syndrome. Identifiers: Orphanet 140162, MedGen C0027672, MeSH D009386, MONDO:0015356.

Submissions (2):

Ambry Genetics
Classification: Uncertain significance for Hereditary cancer-predisposing syndrome. Last evaluated: 2024-05-16. Review status: criteria provided, single submitter. Criteria: Ambry Variant Classification Scheme 2023. Collection method: clinical testing. Allele origin: germline.
Comment: The p.L16P variant (also known as c.47T>C), located in coding exon 1 of the APC gene, results from a T to C substitution at nucleotide position 47. The leucine at codon 16 is replaced by proline, an amino acid with similar properties. This amino acid position is highly conserved in available vertebrate species. In addition, in silico predictors for this gene do not accurately predict pathogenicity. Missense alterations in APC are not a common cause of disease (Spier I et al. Genet Med. 2024 Feb;26(2):100992). Based on the available evidence, the clinical significance of this variant remains unclear.

Labcorp Genetics (formerly Invitae), Labcorp
Classification: Uncertain significance for Familial adenomatous polyposis 1. Last evaluated: 2018-09-02. Review status: criteria provided, single submitter. Criteria: Invitae Variant Classification Sherloc (09022015). Collection method: clinical testing. Allele origin: germline.
Comment: In summary, the available evidence is currently insufficient to determine the role of this variant in disease. Therefore, it has been classified as a Variant of Uncertain Significance. Algorithms developed to predict the effect of missense changes on protein structure and function are either unavailable or do not agree on the potential impact of this missense change (SIFT: "Deleterious"; PolyPhen-2: "Probably Damaging"; Align-GVGD: "Class C0"). This variant has not been reported in the literature in individuals with APC-related disease. This variant is not present in population databases (ExAC no frequency). This sequence change replaces leucine with proline at codon 16 of the APC protein (p.Leu16Pro). The leucine residue is highly conserved and there is a moderate physicochemical difference between leucine and proline.

NM_000038.6(APC):c.47T>C (p.Leu16Pro)

Gene: APC (APC regulator of Wnt signaling pathway; plus strand). Cytogenetic location: 5q22.2.
Variant type: single nucleotide variant.
Coding change: c.47T>C on transcript NM_000038.6 (MANE Select); coding-DNA position 47, T replaced by C.
Protein change: p.Leu16Pro; replaces leucine 16 with proline.
Molecular consequence: missense variant. On other transcripts: 5 prime UTR variant (1), intron variant (8).
Genome position (GRCh38, 1-based): chr5:112,754,937, T>C. VCF-style: chr5-112754937-T-C. GRCh37 (hg19) VCF-style: chr5-112090634-T-C.
Other names: c.47T>C, p.Leu16Pro (NM_001127510.3, NM_001354895.2, NM_001354896.2 and 2 more transcripts); c.-989T>C (NM_001354906.2); c.166-11389T>C (NM_001354897.2, NM_001354902.2, NM_001127511.3); c.61-11389T>C (NM_001354898.2, NM_001354904.2); c.-42-11389T>C (NM_001354900.2, NM_001354901.2, NM_001354905.2); short protein forms L16P.
Identifiers: ClinVar variation 650835 (VCV000650835.11), dbSNP rs1581121721, ClinGen allele CA16021442.